The following is an entry in ClinVar:

NM_001292063.2(OTOG):c.7168C>T (p.Pro2390Ser)

Gene: OTOG (otogelin; plus strand). Cytogenetic location: 11p15.1.
Variant type: single nucleotide variant.
Coding change: c.7168C>T on transcript NM_001292063.2 (MANE Select); coding-DNA position 7168, C replaced by T.
Protein change: p.Pro2390Ser; replaces proline 2390 with serine.
Molecular consequence: missense variant.
Genome position (GRCh38, 1-based): chr11:17,633,775, C>T. VCF-style: chr11-17633775-C-T. GRCh37 (hg19) VCF-style: chr11-17655322-C-T.
Other names: c.7204C>T, p.Pro2402Ser (NM_001277269.2); short protein forms P2390S, P2402S.
Identifiers: ClinVar variation 1341607 (VCV001341607.9), dbSNP rs1029912817, ClinGen allele CA218497624.

ClinVar aggregate classification (germline): Uncertain significance. Review status: criteria provided, multiple submitters, no conflicts (2 of 4 stars). 2 submissions from 2 submitters: Uncertain significance (2). Last evaluated 2022-03-10.

Allele frequency attached by ClinVar (database versions not stated): gnomAD 0.00001 and 0.00002; gnomAD exomes 0.00004 and 0.00005; TOPMed 0.00004.

Submissions (2):

Labcorp Genetics (formerly Invitae), Labcorp
Classification: Uncertain significance. Last evaluated: 2022-03-10. Review status: criteria provided, single submitter. Criteria: Invitae Variant Classification Sherloc (09022015). Collection method: clinical testing. Allele origin: germline.
Comment: This variant is present in population databases (no rsID available, gnomAD 0.01%). In summary, the available evidence is currently insufficient to determine the role of this variant in disease. Therefore, it has been classified as a Variant of Uncertain Significance. Algorithms developed to predict the effect of missense changes on protein structure and function (SIFT, PolyPhen-2, Align-GVGD) all suggest that this variant is likely to be tolerated. This variant has not been reported in the literature in individuals affected with OTOG-related conditions. This sequence change replaces proline, which is neutral and non-polar, with serine, which is neutral and polar, at codon 2402 of the OTOG protein (p.Pro2402Ser).

GeneDx
Classification: Uncertain significance. Last evaluated: 2022-02-01. Review status: criteria provided, single submitter. Criteria: GeneDx Variant Classification Process June 2021. Collection method: clinical testing. Allele origin: germline. Affected: yes.
Comment: In silico analysis supports that this missense variant does not alter protein structure/function; Has not been previously published as pathogenic or benign to our knowledge